The following continues an entry in ClinVar:

NM_000302.4(PLOD1):c.644-17T>G

Gene: PLOD1. ClinVar aggregate classification (germline): Benign. Benign (6).

Submissions 68 to 104 of 104:

Dr. Peter K. Rogan Lab, Western University
No classification provided (evidence only). Condition: Uterine carcinosarcoma. Review status: no classification provided. Collection method: in vitro. Allele origin: not applicable. Functional consequence: skipped exon, retained intron. Not counted in ClinVar's aggregate classification.

Dr. Peter K. Rogan Lab, Western University
No classification provided (evidence only). Condition: Uveal melanoma. Review status: no classification provided. Collection method: in vitro. Allele origin: not applicable. Functional consequence: retained intron. Not counted in ClinVar's aggregate classification.

Dr. Peter K. Rogan Lab, Western University
No classification provided (evidence only). Condition: Uveal melanoma. Review status: no classification provided. Collection method: in vitro. Allele origin: not applicable. Functional consequence: retained intron. Not counted in ClinVar's aggregate classification.

Dr. Peter K. Rogan Lab, Western University
No classification provided (evidence only). Condition: Chronic lymphocytic leukemia/small lymphocytic lymphoma. Review status: no classification provided. Collection method: in vitro. Allele origin: not applicable. Functional consequence: retained intron. Not counted in ClinVar's aggregate classification.

Dr. Peter K. Rogan Lab, Western University
No classification provided (evidence only). Condition: Nonpapillary renal cell carcinoma. Review status: no classification provided. Collection method: in vitro. Allele origin: not applicable. Functional consequence: retained intron. Not counted in ClinVar's aggregate classification.

Dr. Peter K. Rogan Lab, Western University
No classification provided (evidence only). Condition: Nonpapillary renal cell carcinoma. Review status: no classification provided. Collection method: in vitro. Allele origin: not applicable. Functional consequence: retained intron. Not counted in ClinVar's aggregate classification.

Dr. Peter K. Rogan Lab, Western University
No classification provided (evidence only). Condition: Familial pancreatic carcinoma. Review status: no classification provided. Collection method: in vitro. Allele origin: not applicable. Functional consequence: retained intron. Not counted in ClinVar's aggregate classification.

Dr. Peter K. Rogan Lab, Western University
No classification provided (evidence only). Condition: Familial pancreatic carcinoma. Review status: no classification provided. Collection method: in vitro. Allele origin: not applicable. Functional consequence: skipped exon, retained intron. Not counted in ClinVar's aggregate classification.

Dr. Peter K. Rogan Lab, Western University
No classification provided (evidence only). Condition: Hepatocellular carcinoma. Review status: no classification provided. Collection method: in vitro. Allele origin: not applicable. Functional consequence: retained intron. Not counted in ClinVar's aggregate classification.

Dr. Peter K. Rogan Lab, Western University
No classification provided (evidence only). Condition: Hepatocellular carcinoma. Review status: no classification provided. Collection method: in vitro. Allele origin: not applicable. Functional consequence: skipped exon, retained intron. Not counted in ClinVar's aggregate classification.

Dr. Peter K. Rogan Lab, Western University
No classification provided (evidence only). Condition: Hepatocellular carcinoma. Review status: no classification provided. Collection method: in vitro. Allele origin: not applicable. Functional consequence: skipped exon, retained intron. Not counted in ClinVar's aggregate classification.

Dr. Peter K. Rogan Lab, Western University
No classification provided (evidence only). Condition: Hepatocellular carcinoma. Review status: no classification provided. Collection method: in vitro. Allele origin: not applicable. Functional consequence: skipped exon, retained intron. Not counted in ClinVar's aggregate classification.

Dr. Peter K. Rogan Lab, Western University
No classification provided (evidence only). Condition: Hepatocellular carcinoma. Review status: no classification provided. Collection method: in vitro. Allele origin: not applicable. Functional consequence: retained intron. Not counted in ClinVar's aggregate classification.

Dr. Peter K. Rogan Lab, Western University
No classification provided (evidence only). Condition: Lymphoma. Review status: no classification provided. Collection method: in vitro. Allele origin: not applicable. Functional consequence: skipped exon, retained intron. Not counted in ClinVar's aggregate classification.

Dr. Peter K. Rogan Lab, Western University
No classification provided (evidence only). Condition: Lymphoma. Review status: no classification provided. Collection method: in vitro. Allele origin: not applicable. Functional consequence: retained intron. Not counted in ClinVar's aggregate classification.

Dr. Peter K. Rogan Lab, Western University
No classification provided (evidence only). Condition: Lymphoma. Review status: no classification provided. Collection method: in vitro. Allele origin: not applicable. Functional consequence: retained intron. Not counted in ClinVar's aggregate classification.

Dr. Peter K. Rogan Lab, Western University
No classification provided (evidence only). Condition: Lymphoma. Review status: no classification provided. Collection method: in vitro. Allele origin: not applicable. Functional consequence: skipped exon, retained intron. Not counted in ClinVar's aggregate classification.

Dr. Peter K. Rogan Lab, Western University
No classification provided (evidence only). Condition: Thymoma. Review status: no classification provided. Collection method: in vitro. Allele origin: not applicable. Functional consequence: skipped exon, retained intron. Not counted in ClinVar's aggregate classification.

Dr. Peter K. Rogan Lab, Western University
No classification provided (evidence only). Condition: Cholangiocarcinoma. Review status: no classification provided. Collection method: in vitro. Allele origin: not applicable. Functional consequence: retained intron. Not counted in ClinVar's aggregate classification.

Dr. Peter K. Rogan Lab, Western University
No classification provided (evidence only). Condition: Uterine carcinosarcoma. Review status: no classification provided. Collection method: in vitro. Allele origin: not applicable. Functional consequence: skipped exon, retained intron. Not counted in ClinVar's aggregate classification.

Dr. Peter K. Rogan Lab, Western University
No classification provided (evidence only). Condition: Uveal melanoma. Review status: no classification provided. Collection method: in vitro. Allele origin: not applicable. Functional consequence: retained intron. Not counted in ClinVar's aggregate classification.

Dr. Peter K. Rogan Lab, Western University
No classification provided (evidence only). Condition: Chronic lymphocytic leukemia/small lymphocytic lymphoma. Review status: no classification provided. Collection method: in vitro. Allele origin: not applicable. Functional consequence: retained intron. Not counted in ClinVar's aggregate classification.

Dr. Peter K. Rogan Lab, Western University
No classification provided (evidence only). Condition: Nonpapillary renal cell carcinoma. Review status: no classification provided. Collection method: in vitro. Allele origin: not applicable. Functional consequence: retained intron. Not counted in ClinVar's aggregate classification.

Dr. Peter K. Rogan Lab, Western University
No classification provided (evidence only). Condition: Familial pancreatic carcinoma. Review status: no classification provided. Collection method: in vitro. Allele origin: not applicable. Functional consequence: retained intron. Not counted in ClinVar's aggregate classification.

Dr. Peter K. Rogan Lab, Western University
No classification provided (evidence only). Condition: Familial pancreatic carcinoma. Review status: no classification provided. Collection method: in vitro. Allele origin: not applicable. Functional consequence: retained intron. Not counted in ClinVar's aggregate classification.

Dr. Peter K. Rogan Lab, Western University
No classification provided (evidence only). Condition: Hepatocellular carcinoma. Review status: no classification provided. Collection method: in vitro. Allele origin: not applicable. Functional consequence: skipped exon, retained intron. Not counted in ClinVar's aggregate classification.

Dr. Peter K. Rogan Lab, Western University
No classification provided (evidence only). Condition: Hepatocellular carcinoma. Review status: no classification provided. Collection method: in vitro. Allele origin: not applicable. Functional consequence: retained intron. Not counted in ClinVar's aggregate classification.

Dr. Peter K. Rogan Lab, Western University
No classification provided (evidence only). Condition: Hepatocellular carcinoma. Review status: no classification provided. Collection method: in vitro. Allele origin: not applicable. Functional consequence: skipped exon, retained intron. Not counted in ClinVar's aggregate classification.

Dr. Peter K. Rogan Lab, Western University
No classification provided (evidence only). Condition: Hepatocellular carcinoma. Review status: no classification provided. Collection method: in vitro. Allele origin: not applicable. Functional consequence: skipped exon, retained intron. Not counted in ClinVar's aggregate classification.

Dr. Peter K. Rogan Lab, Western University
No classification provided (evidence only). Condition: Hepatocellular carcinoma. Review status: no classification provided. Collection method: in vitro. Allele origin: not applicable. Functional consequence: retained intron. Not counted in ClinVar's aggregate classification.

Dr. Peter K. Rogan Lab, Western University
No classification provided (evidence only). Condition: Lymphoma. Review status: no classification provided. Collection method: in vitro. Allele origin: not applicable. Functional consequence: retained intron. Not counted in ClinVar's aggregate classification.

Dr. Peter K. Rogan Lab, Western University
No classification provided (evidence only). Condition: Lymphoma. Review status: no classification provided. Collection method: in vitro. Allele origin: not applicable. Functional consequence: retained intron. Not counted in ClinVar's aggregate classification.

Dr. Peter K. Rogan Lab, Western University
No classification provided (evidence only). Condition: Lymphoma. Review status: no classification provided. Collection method: in vitro. Allele origin: not applicable. Functional consequence: retained intron. Not counted in ClinVar's aggregate classification.

Dr. Peter K. Rogan Lab, Western University
No classification provided (evidence only). Condition: Ovarian cancer. Review status: no classification provided. Collection method: in vitro. Allele origin: not applicable. Functional consequence: skipped exon, retained intron. Not counted in ClinVar's aggregate classification.

Dr. Peter K. Rogan Lab, Western University
No classification provided (evidence only). Condition: Ovarian cancer. Review status: no classification provided. Collection method: in vitro. Allele origin: not applicable. Functional consequence: skipped exon. Not counted in ClinVar's aggregate classification.

Genome Diagnostics Laboratory, Amsterdam University Medical Center
Classification: Benign. Review status: no assertion criteria provided. Collection method: clinical testing. Allele origin: germline. Affected: yes. Study: VKGL Data-share Consensus. Not counted in ClinVar's aggregate classification.

Joint Genome Diagnostic Labs from Nijmegen and Maastricht, Radboudumc and MUMC+
Classification: Benign. Review status: no assertion criteria provided. Collection method: clinical testing. Allele origin: germline. Affected: yes. Study: VKGL Data-share Consensus. Not counted in ClinVar's aggregate classification.